The following is an entry in ClinVar:

ClinVar aggregate classification (germline): Likely benign. Review status: criteria provided, multiple submitters, no conflicts (2 of 4 stars). 6 submissions from 5 submitters: Likely benign (6). Last evaluated 2026-01-22.

Conditions:
Usher syndrome type 2A. Also called: USHER SYNDROME, TYPE IIA; RETINAL DISEASE IN USHER SYNDROME TYPE IIA, MODIFIER OF. Identifiers: Orphanet 231178, Orphanet 886, MedGen C1848634, MONDO:0010169, OMIM 276901.
Retinitis pigmentosa 39 (RP39). Identifiers: Orphanet 791, MedGen C3151138, MONDO:0013436, OMIM 613809.

Allele frequency attached by ClinVar (database versions not stated): ExAC 0.00003; gnomAD exomes 0.00004 and 0.00013; gnomAD 0.00007 and 0.00009; ESP Exome Variant Server 0.00008; TOPMed 0.00010.
gnomAD v4.1: 197 of 1,613,978 alleles (0.012%); highest among the groups gnomAD compares: Non-Finnish European, 0.015%; no homozygotes.

Submissions (6):

Labcorp Genetics (formerly Invitae), Labcorp
Classification: Likely benign. Last evaluated: 2026-01-22. Review status: criteria provided, single submitter. Criteria: Invitae Variant Classification Sherloc (09022015). Collection method: clinical testing. Allele origin: germline.

Blueprint Genetics
Classification: Likely benign. Last evaluated: 2024-04-25. Review status: criteria provided, single submitter. Criteria: ACMG Guidelines, 2015. Collection method: clinical testing. Allele origin: germline.

Genome-Nilou Lab
Classification: Likely benign for Retinitis pigmentosa 39. Last evaluated: 2023-11-04. Review status: criteria provided, single submitter. Criteria: ACMG Guidelines, 2015. Collection method: clinical testing. Allele origin: germline. Affected: no.

Genome-Nilou Lab
Classification: Likely benign for Usher syndrome type 2A. Last evaluated: 2023-11-04. Review status: criteria provided, single submitter. Criteria: ACMG Guidelines, 2015. Collection method: clinical testing. Allele origin: germline. Affected: no.

Athena Diagnostics
Classification: Likely benign. Last evaluated: 2019-07-11. Review status: criteria provided, single submitter. Criteria: Athena Diagnostics Criteria. Collection method: clinical testing. Allele origin: germline.

Laboratory for Molecular Medicine, Mass General Brigham Personalized Medicine
Classification: Likely benign. Last evaluated: 2012-04-30. Review status: criteria provided, single submitter. Criteria: LMM Criteria. Collection method: clinical testing. Allele origin: germline. Observed: 1 variant allele.
Comment: Ile4186Ile in Exon 63 of USH2A: This variant is not expected to have clinical si gnificance because it does not alter an amino acid residue, is not located withi n the splice consensus sequence, and has been identified in 1/7020 European Amer ican chromosomes from a broad population by the NHLBI Exome Sequencing Project.

NM_206933.4(USH2A):c.12558T>C (p.Ile4186=)

Gene: USH2A (usherin; minus strand). Cytogenetic location: 1q41.
Variant type: single nucleotide variant.
Coding change: c.12558T>C on transcript NM_206933.4 (MANE Select); coding-DNA position 12558, T replaced by C.
Protein change: p.Ile4186=; no amino-acid change (isoleucine 4186 retained).
Molecular consequence: synonymous variant.
Genome position (GRCh38, 1-based): chr1:215,675,353, A>G on the plus strand (T>C on the coding strand, the complement: USH2A is on the minus strand). VCF-style: chr1-215675353-A-G. GRCh37 (hg19) VCF-style: chr1-215848695-A-G.
Identifiers: ClinVar variation 48401 (VCV000048401.16), dbSNP rs369335995, ClinGen allele CA143294.